The following is an entry in ClinVar:

ClinVar aggregate classification (germline): Uncertain significance (1 of 4 stars; one submission).

Allele frequency attached by ClinVar (database versions not stated): gnomAD 0.00001; gnomAD exomes 0.00001; TOPMed 0.00001; ExAC 0.00002.
gnomAD v4.1: 19 of 1,613,940 alleles (0.0012%); highest among the groups gnomAD compares: Non-Finnish European, 0.0015%; no homozygotes.

Submission:

Labcorp Genetics (formerly Invitae), Labcorp
Classification: Uncertain significance. Last evaluated: 2024-06-03. Review status: criteria provided, single submitter. Criteria: Invitae Variant Classification Sherloc (09022015). Collection method: clinical testing. Allele origin: germline.
Comment: This sequence change replaces lysine, which is basic and polar, with glutamic acid, which is acidic and polar, at codon 2886 of the FAT1 protein (p.Lys2886Glu). This variant is present in population databases (rs771153997, gnomAD 0.002%). This variant has not been reported in the literature in individuals affected with FAT1-related conditions. ClinVar contains an entry for this variant (Variation ID: 2191603). Advanced modeling of protein sequence and biophysical properties (such as structural, functional, and spatial information, amino acid conservation, physicochemical variation, residue mobility, and thermodynamic stability) performed at Invitae indicates that this missense variant is not expected to disrupt FAT1 protein function with a negative predictive value of 80%. In summary, the available evidence is currently insufficient to determine the role of this variant in disease. Therefore, it has been classified as a Variant of Uncertain Significance.

NM_005245.4(FAT1):c.8656A>G (p.Lys2886Glu)

Genes: FAT1 (FAT atypical cadherin 1; minus strand), LOC126807255 (BRD4-independent group 4 enhancer GRCh37_chr4:187538202-187539401; plus strand). Cytogenetic location: 4q35.2.
Variant type: single nucleotide variant.
Coding change: c.8656A>G on transcript NM_005245.4 (MANE Select); coding-DNA position 8656, A replaced by G.
Protein change: p.Lys2886Glu; replaces lysine 2886 with glutamic acid.
Molecular consequence: missense variant.
Genome position (GRCh38, 1-based): chr4:186,617,930, T>C on the plus strand (A>G on the coding strand, the complement: FAT1 is on the minus strand). VCF-style: chr4-186617930-T-C. GRCh37 (hg19) VCF-style: chr4-187539084-T-C.
Other names: short protein forms K2886E.
Identifiers: ClinVar variation 2191603 (VCV002191603.4), dbSNP rs771153997, ClinGen allele CA3165844.
Genomic context (GRCh38, chr4:186,617,930, plus strand): 5'-CATCCACAATGGCTGTGGAGGATAGCTGGATCTTTTCACCATGATCTGATGCAACCACTT[T>C]AATCTGGTAATTGTCTCTCTTTTCATGGTCAAGTTCCTTTAAAGTTGTAATCCAGCCTGT-3'
Protein context (NP_005236.2, residues 2876-2896): DHEKRDNYQI[Lys2886Glu]VVASDHGEKI